The following is an entry in ClinVar:

NM_003477.2(PDHX):c.-519C>A

Genes: APIP (APAF1 interacting protein; minus strand), PDHX (pyruvate dehydrogenase complex component X; plus strand), LOC130005547 (ATAC-STARR-seq lymphoblastoid silent region 3253; plus strand). Cytogenetic location: 11p13.
Variant type: single nucleotide variant.
Coding change: c.-519C>A on transcript NM_003477.2; 519 bases upstream of the start codon, C replaced by A.
Molecular consequence: intron variant (on NM_015957.4).
Genome position (GRCh38, 1-based): chr11:34,916,137, C>A. VCF-style: chr11-34916137-C-A. GRCh37 (hg19) VCF-style: chr11-34937684-C-A.
Other names: c.57+91G>T (NM_015957.4).
Identifiers: ClinVar variation 880153 (VCV000880153.6), dbSNP rs561463212, ClinGen allele CA220474722.

ClinVar aggregate classification (germline): Likely benign (1 of 4 stars; one submission).

Conditions:
Pyruvate dehydrogenase E3-binding protein deficiency (PDHXD). Also called: E3-Binding Protein (Component X) Deficiency; Lacticacidemia due to PDX1 deficiency; PYRUVATE HYDROGENASE E3-BINDING PROTEIN DEFICIENCY; LACTIC ACIDEMIA DUE TO DEFECT IN LIPOYL-CONTAINING COMPONENT X OF THE PYRUVATE DEHYDROGENASE COMPLEX. Identifiers: Orphanet 255182, MedGen C1855553, MONDO:0009503, OMIM 245349.

Allele frequency attached by ClinVar (database versions not stated): 1000 Genomes Project 30x 0.00031; TOPMed 0.00122; 1000 Genomes Project 0.00040.
gnomAD v4.1: 2,556 of 1,510,264 alleles (0.17%); highest among the groups gnomAD compares: Admixed American, 0.26%; 5 homozygotes.

Submission:

Illumina Laboratory Services, Illumina
Classification: Likely benign for Pyruvate dehydrogenase E3-binding protein deficiency. Last evaluated: 2018-01-12. Review status: criteria provided, single submitter. Criteria: ICSL Variant Classification Criteria 13 December 2019. Collection method: clinical testing. Allele origin: germline.
Comment: This variant was observed in the ICSL laboratory as part of a predisposition screen in an ostensibly healthy population. It had not been previously curated by ICSL or reported in the Human Gene Mutation Database (HGMD: prior to June 1st, 2018), and was therefore a candidate for classification through an automated scoring system. Utilizing variant allele frequency, disease prevalence and penetrance estimates, and inheritance mode, an automated score was calculated to assess if this variant is too frequent to cause the disease. Based on the score and internal cut-off values, a variant classified as likely benign is not then subjected to further curation. The score for this variant resulted in a classification of likely benign for this disease.